The following is an entry in ClinVar:

NM_005101.4(ISG15):c.158C>T (p.Ala53Val)

Gene: ISG15 (ISG15 ubiquitin like modifier; plus strand). Cytogenetic location: 1p36.33.
Variant type: single nucleotide variant.
Coding change: c.158C>T on transcript NM_005101.4 (MANE Select); coding-DNA position 158, C replaced by T.
Protein change: p.Ala53Val; replaces alanine 53 with valine.
Molecular consequence: missense variant.
Genome position (GRCh38, 1-based): chr1:1,014,138, C>T. VCF-style: chr1-1014138-C-T. GRCh37 (hg19) VCF-style: chr1-949518-C-T.
Other names: c.158C>T, p.Ala53Val (LRG_1231t1); short protein forms A53V.
Identifiers: ClinVar variation 652606 (VCV000652606.8), dbSNP rs146063673, ClinGen allele CA507637.

ClinVar aggregate classification (germline): Conflicting classifications of pathogenicity. Review status: criteria provided, conflicting classifications (1 of 4 stars). 2 submissions from 2 submitters: Uncertain significance (1); Likely benign (1). Last evaluated 2023-09-12.

Conditions:
Mendelian susceptibility to mycobacterial diseases due to complete ISG15 deficiency. Also called: IMMUNODEFICIENCY 38, MYCOBACTERIOSIS, AUTOSOMAL RECESSIVE; ISG15 DEFICIENCY, AUTOSOMAL RECESSIVE; Immunodeficiency 38 with basal ganglia calcification; Immunodeficiency 38. Identifiers: Orphanet 319563, MedGen C4015293, MONDO:0014502, OMIM 616126.

Allele frequency attached by ClinVar (database versions not stated): ExAC 0.00002; gnomAD 0.00002; gnomAD exomes 0.00002; TOPMed 0.00002; ESP Exome Variant Server 0.00015.
gnomAD v4.1: 30 of 1,612,774 alleles (0.0019%); highest among the groups gnomAD compares: South Asian, 0.0099%; no homozygotes.

Submissions (2):

Labcorp Genetics (formerly Invitae), Labcorp
Classification: Uncertain significance for Mendelian susceptibility to mycobacterial diseases due to complete ISG15 deficiency. Last evaluated: 2023-09-12. Review status: criteria provided, single submitter. Criteria: Invitae Variant Classification Sherloc (09022015). Collection method: clinical testing. Allele origin: germline.
Comment: This sequence change replaces alanine, which is neutral and non-polar, with valine, which is neutral and non-polar, at codon 53 of the ISG15 protein (p.Ala53Val). This variant is present in population databases (rs146063673, gnomAD 0.01%). This variant has not been reported in the literature in individuals affected with ISG15-related conditions. ClinVar contains an entry for this variant (Variation ID: 652606). Algorithms developed to predict the effect of missense changes on protein structure and function output the following: SIFT: "Not Available"; PolyPhen-2: "Benign"; Align-GVGD: "Not Available". The valine amino acid residue is found in multiple mammalian species, which suggests that this missense change does not adversely affect protein function. In summary, the available evidence is currently insufficient to determine the role of this variant in disease. Therefore, it has been classified as a Variant of Uncertain Significance.

Ambry Genetics
Classification: Likely benign. Last evaluated: 2023-03-29. Review status: criteria provided, single submitter. Criteria: Ambry Variant Classification Scheme 2023. Collection method: clinical testing. Allele origin: germline.